The following is an entry in ClinVar:

ClinVar aggregate classification (germline): Uncertain significance (1 of 4 stars; one submission).

Conditions:
CHD7-related CHARGE syndrome. Identifiers: MedGen CN380413, MONDO:1010178, OMIM 214800.

Submission:

Clinical Genetics Laboratory, University Hospital Schleswig-Holstein
Classification: Uncertain significance for CHD7-related CHARGE syndrome. Last evaluated: 2025-11-26. Review status: criteria provided, single submitter. Criteria: ACMG Guidelines, 2015. Collection method: clinical testing. Allele origin: maternal. Affected: yes. Observed: 1 heterozygote.
Comment: ACMG criteria applied: PM2, PP3, PP2

NM_017780.4(CHD7):c.4297G>A (p.Gly1433Ser)

Gene: CHD7 (chromodomain helicase DNA binding protein 7; plus strand). Cytogenetic location: 8q12.2.
Variant type: single nucleotide variant.
Coding change: c.4297G>A on transcript NM_017780.4 (MANE Select); coding-DNA position 4297, G replaced by A.
Protein change: p.Gly1433Ser; replaces glycine 1433 with serine.
Molecular consequence: missense variant. On other transcripts: intron variant (1).
Genome position (GRCh38, 1-based): chr8:60,837,779, G>A. VCF-style: chr8-60837779-G-A. GRCh37 (hg19) VCF-style: chr8-61750338-G-A.
Other names: c.1717-24450G>A (NM_001316690.1); short protein forms G1433S.
Identifiers: ClinVar variation 4891296 (VCV004891296.1).